The following is an entry in ClinVar:

ClinVar aggregate classification (germline): Uncertain significance. Review status: criteria provided, multiple submitters, no conflicts (2 of 4 stars). 3 submissions from 3 submitters: Uncertain significance (3). Last evaluated 2024-12-10.

Conditions:
Arrhythmogenic right ventricular dysplasia 13. Also called: ARRHYTHMOGENIC RIGHT VENTRICULAR CARDIOMYOPATHY 13; Arrhythmogenic right ventricular dysplasia, familial, 13. Identifiers: MedGen C3810138, MONDO:0000908, OMIM 615616.

Allele frequency attached by ClinVar (database versions not stated): gnomAD exomes below 0.00001.
gnomAD v4.1: 1 of 1,611,728 alleles (0.000062%); highest among the groups gnomAD compares: African/African-American, 0.0013%; no homozygotes.

Submissions (3):

Labcorp Genetics (formerly Invitae), Labcorp
Classification: Uncertain significance for Arrhythmogenic right ventricular dysplasia 13. Last evaluated: 2024-12-10. Review status: criteria provided, single submitter. Criteria: Invitae Variant Classification Sherloc (09022015). Collection method: clinical testing. Allele origin: germline.
Comment: This sequence change replaces glycine, which is neutral and non-polar, with arginine, which is basic and polar, at codon 441 of the CTNNA3 protein (p.Gly441Arg). This variant is not present in population databases (gnomAD no frequency). This variant has not been reported in the literature in individuals affected with CTNNA3-related conditions. ClinVar contains an entry for this variant (Variation ID: 2440607). Invitae Evidence Modeling of protein sequence and biophysical properties (such as structural, functional, and spatial information, amino acid conservation, physicochemical variation, residue mobility, and thermodynamic stability) indicates that this missense variant is expected to disrupt CTNNA3 protein function with a positive predictive value of 80%. In summary, the available evidence is currently insufficient to determine the role of this variant in disease. Therefore, it has been classified as a Variant of Uncertain Significance.

Ambry Genetics
Classification: Uncertain significance. Last evaluated: 2024-10-25. Review status: criteria provided, single submitter. Criteria: Ambry Variant Classification Scheme 2023. Collection method: clinical testing. Allele origin: germline.

Revvity Omics, Revvity
Classification: Uncertain significance for Arrhythmogenic right ventricular dysplasia 13. Last evaluated: 2020-03-16. Review status: criteria provided, single submitter. Criteria: ACMG Guidelines, 2015. Collection method: clinical testing. Allele origin: germline.

NM_013266.4(CTNNA3):c.1321G>A (p.Gly441Arg)

Gene: CTNNA3 (catenin alpha 3; minus strand). Cytogenetic location: 10q21.3.
Variant type: single nucleotide variant.
Coding change: c.1321G>A on transcript NM_013266.4 (MANE Select); coding-DNA position 1321, G replaced by A.
Protein change: p.Gly441Arg; replaces glycine 441 with arginine.
Molecular consequence: missense variant.
Genome position (GRCh38, 1-based): chr10:66,621,745, C>T on the plus strand (G>A on the coding strand, the complement: CTNNA3 is on the minus strand). VCF-style: chr10-66621745-C-T. GRCh37 (hg19) VCF-style: chr10-68381503-C-T.
Other names: c.1321G>A, p.Gly441Arg (NM_001127384.3); short protein forms G441R.
Identifiers: ClinVar variation 2440607 (VCV002440607.6), dbSNP rs2547392231, ClinGen allele CA377091664.
Genomic context (GRCh38, chr10:66,621,745, plus strand): 5'-GTCATACCTGTGGACACAAGGTTTCCAAATGATTGGCTGCAATTTTGACAATTTTAATTC[C>T]ATCTTCATTTGTTGACATGGAACAAGCAAGATTTGCCACCTTAAATACAATCCAAAATAA-3'
Protein context (NP_037398.2, residues 431-451): LACSMSTNED[Gly441Arg]IKIVKIAANH